The following is an entry in ClinVar:

NM_022124.6(CDH23):c.4392G>A (p.Ala1464=)

Gene: CDH23 (cadherin related 23; plus strand). Cytogenetic location: 10q22.1.
Variant type: single nucleotide variant.
Coding change: c.4392G>A on transcript NM_022124.6 (MANE Select); coding-DNA position 4392, G replaced by A.
Protein change: p.Ala1464=; no amino-acid change (alanine 1464 retained).
Molecular consequence: synonymous variant.
Genome position (GRCh38, 1-based): chr10:71,739,676, G>A. VCF-style: chr10-71739676-G-A. GRCh37 (hg19) VCF-style: chr10-73499433-G-A.
Identifiers: ClinVar variation 514684 (VCV000514684.8), dbSNP rs770421619, ClinGen allele CA5545037.

ClinVar aggregate classification (germline): Likely benign. Review status: criteria provided, multiple submitters, no conflicts (2 of 4 stars). 3 submissions from 3 submitters: Likely benign (3). Last evaluated 2026-02-01.

Conditions:
CDH23-related disorder. Also called: CDH23-related condition; CDH23-related disorders.

Allele frequency attached by ClinVar (database versions not stated): ExAC 0.00002; gnomAD exomes 0.00002; gnomAD 0.00005 and 0.00006; TOPMed 0.00005.
gnomAD v4.1: 23 of 1,612,942 alleles (0.0014%); highest among the groups gnomAD compares: African/African-American, 0.0067%; no homozygotes.

Submissions (3):

Labcorp Genetics (formerly Invitae), Labcorp
Classification: Likely benign. Last evaluated: 2026-02-01. Review status: criteria provided, single submitter. Criteria: Invitae Variant Classification Sherloc (09022015). Collection method: clinical testing. Allele origin: germline.

PreventionGenetics, part of Exact Sciences
Classification: Likely benign for CDH23-related condition. Last evaluated: 2024-11-22. Review status: criteria provided, single submitter. Criteria: ACMG Guidelines, 2015. Collection method: clinical testing. Allele origin: germline.
Comment: This variant is classified as likely benign based on ACMG/AMP sequence variant interpretation guidelines (Richards et al. 2015 PMID: 25741868, with internal and published modifications).

GeneDx
Classification: Likely benign. Last evaluated: 2018-01-18. Review status: criteria provided, single submitter. Criteria: GeneDx Variant Classification (06012015). Collection method: clinical testing. Allele origin: germline. Affected: yes.
Comment: This variant is considered likely benign or benign based on one or more of the following criteria: it is a conservative change, it occurs at a poorly conserved position in the protein, it is predicted to be benign by multiple in silico algorithms, and/or has population frequency not consistent with disease.